The following is an entry in ClinVar:

NM_004991.4(MECOM):c.2327G>C (p.Ser776Thr)

Gene: MECOM (MDS1 and EVI1 complex locus; minus strand). Cytogenetic location: 3q26.2.
Variant type: single nucleotide variant.
Coding change: c.2327G>C on transcript NM_004991.4 (MANE Select); coding-DNA position 2327, G replaced by C.
Protein change: p.Ser776Thr; replaces serine 776 with threonine.
Molecular consequence: missense variant.
Genome position (GRCh38, 1-based): chr3:169,115,545, C>G on the plus strand (G>C on the coding strand, the complement: MECOM is on the minus strand). VCF-style: chr3-169115545-C-G. GRCh37 (hg19) VCF-style: chr3-168833333-C-G.
Other names: c.1958G>C, p.Ser653Thr (NM_001105077.4); c.1763G>C, p.Ser588Thr (NM_001105078.4, NM_001164000.2, NM_001205194.2 and 4 more transcripts); c.1766G>C, p.Ser589Thr (NM_001163999.2, NM_001366467.2, NM_001366468.2 and 1 more transcripts); c.2327G>C, p.Ser776Thr (NM_001366466.2); c.1355G>C, p.Ser452Thr (NM_001366473.2); c.791G>C, p.Ser264Thr (NM_001366474.2); short protein forms S264T, S452T, S589T, S653T, S588T, S776T.
Identifiers: ClinVar variation 4053300 (VCV004053300.1).

ClinVar aggregate classification (germline): Uncertain significance (1 of 4 stars; one submission).

Conditions:
Inborn genetic diseases. Identifiers: MedGen C0950123, MeSH D030342.

Submission:

Ambry Genetics
Classification: Uncertain significance for Inborn genetic diseases. Last evaluated: 2025-05-29. Review status: criteria provided, single submitter. Criteria: Ambry Variant Classification Scheme 2023. Collection method: clinical testing. Allele origin: germline.
Comment: The p.S776T variant (also known as c.2327G>C), located in coding exon 8 of the MECOM gene, results from a G to C substitution at nucleotide position 2327. The serine at codon 776 is replaced by threonine, an amino acid with similar properties. This amino acid position is conserved. In addition, this alteration is predicted to be tolerated by in silico analysis. Based on the available evidence, the clinical significance of this variant remains unclear.